The following is an entry in ClinVar:

ClinVar aggregate classification (germline): Benign. Review status: criteria provided, multiple submitters, no conflicts (2 of 4 stars). 2 submissions from 2 submitters: Benign (2). Last evaluated 2018-01-12.

Conditions:
COG8-congenital disorder of glycosylation. Also called: CDG IIh; COG8-CDG. Identifiers: Orphanet 95428, MedGen C1970021, MONDO:0012635, OMIM 611182.

Allele frequency attached by ClinVar (database versions not stated): TOPMed 0.05331; gnomAD 0.05747 and 0.06026; 1000 Genomes Project 30x 0.06230; 1000 Genomes Project 0.06450.
gnomAD v4.1: 72,113 of 1,047,084 alleles (6.9%); highest among the groups gnomAD compares: South Asian, 15%; 2,907 homozygotes.

Submissions (2):

Illumina Laboratory Services, Illumina
Classification: Benign for COG8-congenital disorder of glycosylation. Last evaluated: 2018-01-12. Review status: criteria provided, single submitter. Criteria: ICSL Variant Classification Criteria 13 December 2019. Collection method: clinical testing. Allele origin: germline.
Comment: This variant was observed in the ICSL laboratory as part of a predisposition screen in an ostensibly healthy population. It had not been previously curated by ICSL or reported in the Human Gene Mutation Database (HGMD: prior to June 1st, 2018), and was therefore a candidate for classification through an automated scoring system. Utilizing variant allele frequency, disease prevalence and penetrance estimates, and inheritance mode, an automated score was calculated to assess if this variant is too frequent to cause the disease. Based on the score and internal cut-off values, a variant classified as benign is not then subjected to further curation. The score for this variant resulted in a classification of benign for this disease.

Breakthrough Genomics
Classification: Benign. Review status: criteria provided, single submitter. Criteria: ACMG Guidelines, 2015. Collection method: not provided. Allele origin: germline. Inheritance: Unknown mechanism. Affected: yes.

NM_032382.5(COG8):c.*330G>T

Genes: PDF (peptide deformylase, mitochondrial; minus strand), COG8 (component of oligomeric golgi complex 8; minus strand). Cytogenetic location: 16q22.1.
Variant type: single nucleotide variant.
Coding change: c.*330G>T on transcript NM_032382.5 (MANE Select); 330 bases downstream of the stop codon, G replaced by T.
Molecular consequence: 3 prime UTR variant.
Genome position (GRCh38, 1-based): chr16:69,328,876, C>A on the plus strand (G>T on the coding strand, the complement: COG8 is on the minus strand). VCF-style: chr16-69328876-C-A. GRCh37 (hg19) VCF-style: chr16-69362779-C-A.
Other names: c.*146G>T (NM_022341.2, NM_001379262.1, NM_001379265.1); c.*330G>T (NM_001379261.1, NM_001379263.1); c.*327G>T (NM_001379264.1); c.*160G>T (NM_001379266.1).
Identifiers: ClinVar variation 320306 (VCV000320306.6), dbSNP rs1055399, ClinGen allele CA10647992.